The following is an entry in ClinVar:

ClinVar aggregate classification (germline): Uncertain significance (1 of 4 stars; one submission).

Conditions:
Melanoma, cutaneous malignant, susceptibility to, 3. Also called: Cutaneous malignant melanoma 3. Identifiers: Orphanet 618, MedGen C1836892, MONDO:0012183, OMIM 609048.

Submission:

Dasa
Classification: Uncertain significance for Melanoma, cutaneous malignant, susceptibility to, 3. Last evaluated: 2026-04-04. Review status: criteria provided, single submitter. Criteria: DASA Assertion Criteria. Collection method: clinical testing. Allele origin: germline.
Comment: NM_000075.4(CDK4):c.578C>G (p.Thr193Arg) is a missense variant that results in the substitution of threonine with arginine. This variant is absent from population databases. The currently available literature and clinical evidence are not sufficient to establish a definitive association between this variant and the reported condition. Therefore, this variant is classified as a variant of uncertain significance.

NM_000075.4(CDK4):c.578C>G (p.Thr193Arg)

Gene: CDK4 (cyclin dependent kinase 4; minus strand). Cytogenetic location: 12q14.1.
Variant type: single nucleotide variant.
Coding change: c.578C>G on transcript NM_000075.4 (MANE Select); coding-DNA position 578, C replaced by G.
Protein change: p.Thr193Arg; replaces threonine 193 with arginine.
Molecular consequence: missense variant.
Genome position (GRCh38, 1-based): chr12:57,750,710, G>C on the plus strand (C>G on the coding strand, the complement: CDK4 is on the minus strand). VCF-style: chr12-57750710-G-C. GRCh37 (hg19) VCF-style: chr12-58144493-G-C.
Other names: short protein forms T193R.
Identifiers: ClinVar variation 4882727 (VCV004882727.2).